The following is an entry in ClinVar:

NM_015910.7(WDPCP):c.604C>T (p.Leu202=)

Gene: WDPCP (WD repeat containing planar cell polarity effector; minus strand). Cytogenetic location: 2p15.
Variant type: single nucleotide variant.
Coding change: c.604C>T on transcript NM_015910.7 (MANE Select); coding-DNA position 604, C replaced by T.
Protein change: p.Leu202=; no amino-acid change (leucine 202 retained).
Molecular consequence: synonymous variant. On other transcripts: non-coding transcript variant (3).
Genome position (GRCh38, 1-based): chr2:63,437,450, G>A on the plus strand (C>T on the coding strand, the complement: WDPCP is on the minus strand). VCF-style: chr2-63437450-G-A. GRCh37 (hg19) VCF-style: chr2-63664584-G-A.
Other names: c.127C>T, p.Leu43= (NM_001042692.3); c.532C>T, p.Leu178= (NM_001354044.2); c.604C>T, p.Leu202= (NM_001354045.2).
Identifiers: ClinVar variation 3354072 (VCV003354072.1).

ClinVar aggregate classification (germline): Likely benign (0 of 4 stars; one submission).

Conditions:
WDPCP-related disorder. Also called: WDPCP-related condition.

Submission:

PreventionGenetics, part of Exact Sciences
Classification: Likely benign for WDPCP-related condition. Last evaluated: 2022-08-04. Review status: no assertion criteria provided. Collection method: clinical testing. Allele origin: germline.
Comment: This variant is classified as likely benign based on ACMG/AMP sequence variant interpretation guidelines (Richards et al. 2015 PMID: 25741868, with internal and published modifications).